The following is an entry in ClinVar:

ClinVar aggregate classification (germline): Uncertain significance (1 of 4 stars; one submission).

Conditions:
Peutz-Jeghers syndrome (PJS). Also called: POLYPOSIS, HAMARTOMATOUS INTESTINAL; POLYPS-AND-SPOTS SYNDROME; Peutz-Jeghers polyposis; Periorificial lentiginosis syndrome. Identifiers: Orphanet 2869, MedGen C0031269, MeSH D010580, MONDO:0008280, OMIM 175200.

Submission:

All of Us Research Program, National Institutes of Health
Classification: Uncertain significance for Peutz-Jeghers syndrome. Last evaluated: 2023-09-17. Review status: criteria provided, single submitter. Criteria: ACMG Guidelines, 2015. Collection method: clinical testing. Allele origin: germline. Inheritance: Autosomal dominant inheritance. Observed: 1 variant allele, 1 heterozygote.
Comment: This missense variant replaces arginine with leucine at codon 310 of the STK11 protein. Computational prediction suggests that this variant may not impact protein structure and function (internally defined REVEL score threshold <= 0.5, PMID: 27666373). To our knowledge, functional studies have not been reported for this variant. This variant has not been reported in individuals affected with STK11-related disorders in the literature. This variant has not been identified in the general population by the Genome Aggregation Database (gnomAD). The available evidence is insufficient to determine the role of this variant in disease conclusively. Therefore, this variant is classified as a Variant of Uncertain Significance.

This study involves interpretation of variants in research participants for the purpose of population health screening. Participant phenotype was not available at the time of variant classification. Additional details can be found in publication PMID: 35346344, PMCID: PMC8962531

NM_000455.5(STK11):c.929G>T (p.Arg310Leu)

Gene: STK11 (serine/threonine kinase 11; plus strand). Cytogenetic location: 19p13.3.
Variant type: single nucleotide variant.
Coding change: c.929G>T on transcript NM_000455.5 (MANE Select); coding-DNA position 929, G replaced by T.
Protein change: p.Arg310Leu; replaces arginine 310 with leucine.
Molecular consequence: missense variant. On other transcripts: non-coding transcript variant (1).
Genome position (GRCh38, 1-based): chr19:1,222,993, G>T. VCF-style: chr19-1222993-G-T. GRCh37 (hg19) VCF-style: chr19-1222992-G-T.
Other names: c.929G>T, p.Arg310Leu (NM_001407255.1); short protein forms R310L.
Identifiers: ClinVar variation 3073417 (VCV003073417.1), dbSNP rs1555739158, ClinGen allele CA402951446.